The following is an entry in ClinVar:

NM_000785.4(CYP27B1):c.413G>T (p.Arg138Leu)

Gene: CYP27B1 (cytochrome P450 family 27 subfamily B member 1; minus strand). Cytogenetic location: 12q14.1.
Variant type: single nucleotide variant.
Coding change: c.413G>T on transcript NM_000785.4 (MANE Select); coding-DNA position 413, G replaced by T.
Protein change: p.Arg138Leu; replaces arginine 138 with leucine.
Molecular consequence: missense variant.
Genome position (GRCh38, 1-based): chr12:57,765,473, C>A on the plus strand (G>T on the coding strand, the complement: CYP27B1 is on the minus strand). VCF-style: chr12-57765473-C-A. GRCh37 (hg19) VCF-style: chr12-58159256-C-A.
Other names: short protein forms R138L.
Identifiers: ClinVar variation 1016722 (VCV001016722.8), dbSNP rs1452090388, ClinGen allele CA385507117.

ClinVar aggregate classification (germline): Uncertain significance (1 of 4 stars; one submission).

Allele frequency attached by ClinVar (database versions not stated): gnomAD exomes below 0.00001 and 0.00001.
gnomAD v4.1: 4 of 1,612,060 alleles (0.00025%); highest among the groups gnomAD compares: Admixed American, 0.0033%; no homozygotes.

Submission:

Labcorp Genetics (formerly Invitae), Labcorp
Classification: Uncertain significance. Last evaluated: 2022-11-18. Review status: criteria provided, single submitter. Criteria: Invitae Variant Classification Sherloc (09022015). Collection method: clinical testing. Allele origin: germline.
Comment: ClinVar contains an entry for this variant (Variation ID: 1016722). This missense change has been observed in individuals with vitamin D-dependent rickets (PMID: 27364341; Invitae). The frequency data for this variant in the population databases is considered unreliable, as metrics indicate poor data quality at this position in the gnomAD database. This sequence change replaces arginine, which is basic and polar, with leucine, which is neutral and non-polar, at codon 138 of the CYP27B1 protein (p.Arg138Leu). In summary, the available evidence is currently insufficient to determine the role of this variant in disease. Therefore, it has been classified as a Variant of Uncertain Significance. Advanced modeling of protein sequence and biophysical properties (such as structural, functional, and spatial information, amino acid conservation, physicochemical variation, residue mobility, and thermodynamic stability) performed at Invitae indicates that this missense variant is expected to disrupt CYP27B1 protein function.

Literature cited by the submitters: PubMed 27364341.